The following is an entry in ClinVar:

NM_001903.5(CTNNA1):c.2069G>C (p.Ser690Thr)

Gene: CTNNA1 (catenin alpha 1; plus strand). Cytogenetic location: 5q31.2.
Variant type: single nucleotide variant.
Coding change: c.2069G>C on transcript NM_001903.5 (MANE Select); coding-DNA position 2069, G replaced by C.
Protein change: p.Ser690Thr; replaces serine 690 with threonine.
Molecular consequence: missense variant.
Genome position (GRCh38, 1-based): chr5:138,930,531, G>C. VCF-style: chr5-138930531-G-C. GRCh37 (hg19) VCF-style: chr5-138266220-G-C.
Other names: c.2069G>C, p.Ser690Thr (NM_001290307.3, NM_001323982.2, NM_001323983.1 and 2 more transcripts); c.1760G>C, p.Ser587Thr (NM_001290309.3); c.1700G>C, p.Ser567Thr (NM_001290310.3); c.959G>C, p.Ser320Thr (NM_001290312.1, NM_001323987.1, NM_001323988.1 and 17 more transcripts); c.1976G>C, p.Ser659Thr (NM_001323986.2); c.620G>C, p.Ser207Thr (NM_001324006.1, NM_001324007.1, NM_001324008.1 and 2 more transcripts); c.866G>C, p.Ser289Thr (NM_001324011.1); c.716G>C, p.Ser239Thr (NM_001324012.1, NM_001324013.1); short protein forms S207T, S659T, S690T, S289T, S239T, S320T, S567T, S587T.
Identifiers: ClinVar variation 4745141 (VCV004745141.1).

ClinVar aggregate classification (germline): Uncertain significance (1 of 4 stars; one submission).

Submission:

Labcorp Genetics (formerly Invitae), Labcorp
Classification: Uncertain significance. Last evaluated: 2025-08-20. Review status: criteria provided, single submitter. Criteria: Invitae Variant Classification Sherloc (09022015). Collection method: clinical testing. Allele origin: germline.
Comment: This sequence change replaces serine, which is neutral and polar, with threonine, which is neutral and polar, at codon 690 of the CTNNA1 protein (p.Ser690Thr). This variant is not present in population databases (gnomAD no frequency). This variant has not been reported in the literature in individuals affected with CTNNA1-related conditions. Invitae Evidence Modeling of protein sequence and biophysical properties (such as structural, functional, and spatial information, amino acid conservation, physicochemical variation, residue mobility, and thermodynamic stability) indicates that this missense variant is not expected to disrupt CTNNA1 protein function with a negative predictive value of 80%. In summary, the available evidence is currently insufficient to determine the role of this variant in disease. Therefore, it has been classified as a Variant of Uncertain Significance.